The following is an entry in ClinVar:

ClinVar aggregate classification (germline): Uncertain significance. Review status: criteria provided, multiple submitters, no conflicts (2 of 4 stars). 2 submissions from 2 submitters: Uncertain significance (2). Last evaluated 2025-07-14.

Conditions:
Cardiovascular phenotype. Identifiers: MedGen CN230736.
RASopathy. Also called: rasopathies; Noonan spectrum disorder. Identifiers: Orphanet 536391, MedGen C5555857, MONDO:0021060.

Allele frequency attached by ClinVar (database versions not stated): gnomAD exomes below 0.00001.
gnomAD v4.1: 6 of 1,609,998 alleles (0.00037%); highest among the groups gnomAD compares: African/African-American, 0.0013%; no homozygotes.

Submissions (2):

Labcorp Genetics (formerly Invitae), Labcorp
Classification: Uncertain significance for RASopathy. Last evaluated: 2025-07-14. Review status: criteria provided, single submitter. Criteria: Invitae Variant Classification Sherloc (09022015). Collection method: clinical testing. Allele origin: germline.
Comment: This sequence change replaces isoleucine, which is neutral and non-polar, with valine, which is neutral and non-polar, at codon 130 of the SOS1 protein (p.Ile130Val). This variant is not present in population databases (gnomAD no frequency). This variant has not been reported in the literature in individuals affected with SOS1-related conditions. ClinVar contains an entry for this variant (Variation ID: 1414088). Invitae Evidence Modeling of protein sequence and biophysical properties (such as structural, functional, and spatial information, amino acid conservation, physicochemical variation, residue mobility, and thermodynamic stability) indicates that this missense variant is not expected to disrupt SOS1 protein function with a negative predictive value of 95%. In summary, the available evidence is currently insufficient to determine the role of this variant in disease. Therefore, it has been classified as a Variant of Uncertain Significance.

Ambry Genetics
Classification: Uncertain significance for Cardiovascular phenotype. Last evaluated: 2024-11-15. Review status: criteria provided, single submitter. Criteria: Ambry Variant Classification Scheme 2023. Collection method: clinical testing. Allele origin: germline.
Comment: The p.I130V variant (also known as c.388A>G), located in coding exon 4 of the SOS1 gene, results from an A to G substitution at nucleotide position 388. The isoleucine at codon 130 is replaced by valine, an amino acid with highly similar properties. This amino acid position is well conserved in available vertebrate species. In addition, this alteration is predicted to be tolerated by in silico analysis. Based on the available evidence, the clinical significance of this variant remains unclear.

NM_005633.4(SOS1):c.388A>G (p.Ile130Val)

Gene: SOS1 (SOS Ras/Rac guanine nucleotide exchange factor 1; minus strand). Cytogenetic location: 2p22.1.
Variant type: single nucleotide variant.
Coding change: c.388A>G on transcript NM_005633.4 (MANE Select); coding-DNA position 388, A replaced by G.
Protein change: p.Ile130Val; replaces isoleucine 130 with valine.
Molecular consequence: missense variant.
Genome position (GRCh38, 1-based): chr2:39,056,824, T>C on the plus strand (A>G on the coding strand, the complement: SOS1 is on the minus strand). VCF-style: chr2-39056824-T-C. GRCh37 (hg19) VCF-style: chr2-39283965-T-C.
Other names: c.367A>G, p.Ile123Val (NM_001382394.1); c.388A>G, p.Ile130Val (NM_001382395.1); c.388A>G (NM_005633.3); short protein forms I123V, I130V.
Identifiers: ClinVar variation 1414088 (VCV001414088.9), dbSNP rs2124607438, ClinGen allele CA346373665.
Genomic context (GRCh38, chr2:39,056,824, plus strand): 5'-TTACATAATTCCCAACCAGCTTTAAAATGTCTGCAGAAATGTATTCTAAGACTGCTACTA[T>C]GTAAACAGAAACCTGGTGGTCAATTTTATAACCTAGGACCTCCTGCAAAATTAAAAGAAA-3'
Protein context (NP_005624.2, residues 120-140): YKIDHQVSVY[Ile130Val]VAVLEYISAD